The following is an entry in ClinVar:

ClinVar aggregate classification (germline): Likely pathogenic. Review status: criteria provided, multiple submitters, no conflicts (2 of 4 stars). 2 submissions from 2 submitters: Likely pathogenic (2). Last evaluated 2025-07-23.

Conditions:
Long QT syndrome (LQTS). Identifiers: MedGen C0023976, MeSH D008133, MONDO:0002442. Disease mechanism: loss of function. Inheritance: Various modes of inheritance.

Submissions (2):

Labcorp Genetics (formerly Invitae), Labcorp
Classification: Likely pathogenic for Long QT syndrome. Last evaluated: 2025-07-23. Review status: criteria provided, single submitter. Criteria: Invitae Variant Classification Sherloc (09022015). Collection method: clinical testing. Allele origin: germline.
Comment: This sequence change replaces arginine, which is basic and polar, with glycine, which is neutral and non-polar, at codon 591 of the KCNQ1 protein (p.Arg591Gly). This variant is not present in population databases (gnomAD no frequency). This variant has not been reported in the literature in individuals affected with KCNQ1-related conditions. ClinVar contains an entry for this variant (Variation ID: 3901502). Invitae Evidence Modeling of protein sequence and biophysical properties (such as structural, functional, and spatial information, amino acid conservation, physicochemical variation, residue mobility, and thermodynamic stability) indicates that this missense variant is expected to disrupt KCNQ1 protein function with a positive predictive value of 95%. This variant disrupts the p.Arg591His amino acid residue in KCNQ1. Other variant(s) that disrupt this residue have been determined to be pathogenic (PMID: 10024302, 15234419, 16253915, 19261104, 21482651, 22727609, 22949429). This suggests that this residue is clinically significant, and that variants that disrupt this residue are likely to be disease-causing. In summary, the currently available evidence indicates that the variant is pathogenic, but additional data are needed to prove that conclusively. Therefore, this variant has been classified as Likely Pathogenic.

GeneDx
Classification: Likely pathogenic. Last evaluated: 2024-12-05. Review status: criteria provided, single submitter. Criteria: GeneDx Variant Classification Process June 2021. Collection method: clinical testing. Allele origin: germline. Affected: yes.
Comment: Not observed at significant frequency in large population cohorts (gnomAD); In silico analysis supports that this missense variant has a deleterious effect on protein structure/function; Has not been previously published as pathogenic or benign to our knowledge

Literature cited by the submitters: PubMed 10024302 (cited by Labcorp Genetics (formerly Invitae), Labcorp); PubMed 15234419 (cited by Labcorp Genetics (formerly Invitae), Labcorp); PubMed 16253915 (cited by Labcorp Genetics (formerly Invitae), Labcorp); PubMed 19261104 (cited by Labcorp Genetics (formerly Invitae), Labcorp); PubMed 21482651 (cited by Labcorp Genetics (formerly Invitae), Labcorp); PubMed 22727609 (cited by Labcorp Genetics (formerly Invitae), Labcorp); PubMed 22949429 (cited by Labcorp Genetics (formerly Invitae), Labcorp).

NM_000218.3(KCNQ1):c.1771C>G (p.Arg591Gly)

Gene: KCNQ1 (potassium voltage-gated channel subfamily Q member 1; plus strand). Cytogenetic location: 11p15.5.
Variant type: single nucleotide variant.
Coding change: c.1771C>G on transcript NM_000218.3 (MANE Select); coding-DNA position 1771, C replaced by G.
Protein change: p.Arg591Gly; replaces arginine 591 with glycine.
Molecular consequence: missense variant.
Genome position (GRCh38, 1-based): chr11:2,778,014, C>G. VCF-style: chr11-2778014-C-G. GRCh37 (hg19) VCF-style: chr11-2799244-C-G.
Other names: c.1675C>G, p.Arg559Gly (NM_001406836.1); c.1501C>G, p.Arg501Gly (NM_001406837.1); c.1231C>G, p.Arg411Gly (NM_001406838.1); c.283C>G, p.Arg95Gly (NM_001406839.1); c.1390C>G, p.Arg464Gly (NM_181798.2); short protein forms R411G, R464G, R501G, R559G, R591G, R95G.
Identifiers: ClinVar variation 3901502 (VCV003901502.2).